The following is an entry in ClinVar:

ClinVar aggregate classification (germline): Uncertain significance (1 of 4 stars; one submission).

Conditions:
Inborn genetic diseases. Identifiers: MedGen C0950123, MeSH D030342.

Submission:

Ambry Genetics
Classification: Uncertain significance for Inborn genetic diseases. Last evaluated: 2025-03-06. Review status: criteria provided, single submitter. Criteria: Ambry Variant Classification Scheme 2023. Collection method: clinical testing. Allele origin: germline.
Comment: The p.R1262S variant (also known as c.3786G>C), located in coding exon 14 of the FANCM gene, results from a G to C substitution at nucleotide position 3786. The arginine at codon 1262 is replaced by serine, an amino acid with dissimilar properties. This amino acid position is conserved. In addition, this alteration is predicted to be tolerated by in silico analysis. Based on the available evidence, the clinical significance of this variant remains unclear.

NM_020937.4(FANCM):c.3786G>C (p.Arg1262Ser)

Gene: FANCM (FA complementation group M; plus strand). Cytogenetic location: 14q21.2.
Variant type: single nucleotide variant.
Coding change: c.3786G>C on transcript NM_020937.4 (MANE Select); coding-DNA position 3786, G replaced by C.
Protein change: p.Arg1262Ser; replaces arginine 1262 with serine.
Molecular consequence: missense variant.
Genome position (GRCh38, 1-based): chr14:45,176,540, G>C. VCF-style: chr14-45176540-G-C. GRCh37 (hg19) VCF-style: chr14-45645743-G-C.
Other names: c.3708G>C, p.Arg1236Ser (NM_001308133.2); short protein forms R1262S, R1236S.
Identifiers: ClinVar variation 3848793 (VCV003848793.1).